The following is an entry in ClinVar:

NM_000256.3(MYBPC3):c.1457_1457+1delinsCT

Gene: MYBPC3 (myosin binding protein C3; minus strand). Cytogenetic location: 11p11.2.
Variant type: Indel.
Coding change: c.1457_1457+1delinsCT on transcript NM_000256.3 (MANE Select); coding-DNA position 1457 through the canonical splice donor site of the intron after coding-DNA position 1457, GG replaced by CT.
Molecular consequence: splice donor variant.
Genome position (GRCh38, 1-based): chr11:47,342,829-47,342,830, CC replaced by AG on the plus strand (GG replaced by CT on the coding strand, the reverse complement: MYBPC3 is on the minus strand). VCF-style: chr11-47342829-CC-AG. GRCh37 (hg19) VCF-style: chr11-47364380-CC-AG.
Identifiers: ClinVar variation 2117457 (VCV002117457.4), dbSNP rs2495763269, ClinGen allele CA2580084263.

ClinVar aggregate classification (germline): Likely pathogenic (1 of 4 stars; one submission).

Conditions:
Hypertrophic cardiomyopathy. Also called: HYPERTROPHIC MYOCARDIOPATHY. Identifiers: Orphanet 217569, MedGen C0007194, MeSH D002312, MONDO:0005045, HP:0001639.

Submission:

Labcorp Genetics (formerly Invitae), Labcorp
Classification: Likely pathogenic for Hypertrophic cardiomyopathy. Last evaluated: 2022-03-26. Review status: criteria provided, single submitter. Criteria: Invitae Variant Classification Sherloc (09022015). Collection method: clinical testing. Allele origin: germline.
Comment: In summary, the currently available evidence indicates that the variant is pathogenic, but additional data are needed to prove that conclusively. Therefore, this variant has been classified as Likely Pathogenic. This variant has not been reported in the literature in individuals affected with MYBPC3-related conditions. Information on the frequency of this variant in the gnomAD database is not available, as this variant may be reported differently in the database. This sequence change affects a splice site in intron 16 of the MYBPC3 gene. It is expected to disrupt RNA splicing. Variants that disrupt the donor or acceptor splice site typically lead to a loss of protein function (PMID: 16199547), and loss-of-function variants in MYBPC3 are known to be pathogenic (PMID: 19574547).

Literature cited by the submitters: PubMed 16199547; PubMed 19574547.